The following is an entry in ClinVar:

NM_001347.4(DGKQ):c.1734+10C>T

Gene: DGKQ (diacylglycerol kinase theta; minus strand). Cytogenetic location: 4p16.3.
Variant type: single nucleotide variant.
Coding change: c.1734+10C>T on transcript NM_001347.4 (MANE Select); 10 bases into the intron after coding-DNA position 1734, C replaced by T.
Molecular consequence: intron variant.
Genome position (GRCh38, 1-based): chr4:965,166, G>A on the plus strand (C>T on the coding strand, the complement: DGKQ is on the minus strand). VCF-style: chr4-965166-G-A. GRCh37 (hg19) VCF-style: chr4-958954-G-A.
Identifiers: ClinVar variation 3050114 (VCV003050114.2), dbSNP rs768145892, ClinGen allele CA2800301.
Genomic context (GRCh38, chr4:965,166, plus strand): 5'-CCTGCAGACCCCGACCTCCCTCTGGCCACCCCCTGGGGTGTGTGAAGAGCCGGCTTGACC[G>A]CACACTCACCAGCAGGTCGGGGAGCACCAGGGCAGTGAGCAGCCGGCCCCGCACAGCCAT-3'

ClinVar aggregate classification (germline): Likely benign (0 of 4 stars; one submission).

Conditions:
DGKQ-related disorder. Also called: DGKQ-related condition.

Allele frequency attached by ClinVar (database versions not stated): ExAC 0.00002; gnomAD 0.00003; gnomAD exomes 0.00003; TOPMed 0.00006.
gnomAD v4.1: 41 of 1,609,944 alleles (0.0025%); highest among the groups gnomAD compares: Admixed American, 0.03%; no homozygotes.

Submission:

PreventionGenetics, part of Exact Sciences
Classification: Likely benign for DGKQ-related condition. Last evaluated: 2019-07-16. Review status: no assertion criteria provided. Collection method: clinical testing. Allele origin: germline.
Comment: This variant is classified as likely benign based on ACMG/AMP sequence variant interpretation guidelines (Richards et al. 2015 PMID: 25741868, with internal and published modifications).